The following is an entry in ClinVar:

ClinVar aggregate classification (germline): Uncertain significance (1 of 4 stars; one submission).

Conditions:
T-B+ severe combined immunodeficiency due to JAK3 deficiency. Also called: SCID, T CELL-NEGATIVE, B CELL-POSITIVE, NK CELL-NEGATIVE; SCID, autosomal recessive, T-negative/B-positive type. Identifiers: Orphanet 35078, MedGen C1833275, MONDO:0010938, OMIM 600802.

Allele frequency attached by ClinVar (database versions not stated): TOPMed below 0.00001.
gnomAD v4.1: 1 of 1,609,654 alleles (0.000062%); highest among the groups gnomAD compares: Non-Finnish European, 0.000085%; no homozygotes.

Submission:

Labcorp Genetics (formerly Invitae), Labcorp
Classification: Uncertain significance for T-B+ severe combined immunodeficiency due to JAK3 deficiency. Last evaluated: 2021-08-27. Review status: criteria provided, single submitter. Criteria: Invitae Variant Classification Sherloc (09022015). Collection method: clinical testing. Allele origin: germline.
Comment: This sequence change replaces alanine with valine at codon 2 of the JAK3 protein (p.Ala2Val). The alanine residue is moderately conserved and there is a small physicochemical difference between alanine and valine. This variant is not present in population databases (ExAC no frequency). This variant has not been reported in the literature in individuals affected with JAK3-related conditions. Algorithms developed to predict the effect of missense changes on protein structure and function output the following: SIFT: "Tolerated"; PolyPhen-2: "Benign"; Align-GVGD: "Class C0". The valine amino acid residue is found in multiple mammalian species, which suggests that this missense change does not adversely affect protein function. Algorithms developed to predict the effect of sequence changes on RNA splicing suggest that this variant may create or strengthen a splice site. In summary, the available evidence is currently insufficient to determine the role of this variant in disease. Therefore, it has been classified as a Variant of Uncertain Significance.

NM_000215.4(JAK3):c.5C>T (p.Ala2Val)

Gene: JAK3 (Janus kinase 3; minus strand). Cytogenetic location: 19p13.11.
Variant type: single nucleotide variant.
Coding change: c.5C>T on transcript NM_000215.4 (MANE Select); coding-DNA position 5, C replaced by T.
Protein change: p.Ala2Val; replaces alanine 2 with valine.
Molecular consequence: missense variant.
Genome position (GRCh38, 1-based): chr19:17,844,413, G>A on the plus strand (C>T on the coding strand, the complement: JAK3 is on the minus strand). VCF-style: chr19-17844413-G-A. GRCh37 (hg19) VCF-style: chr19-17955222-G-A.
Other names: short protein forms A2V.
Identifiers: ClinVar variation 582051 (VCV000582051.6), dbSNP rs1568408509, ClinGen allele CA404775614.
Genomic context (GRCh38, chr19:17,844,413, plus strand): 5'-TCCGTGGACAAGAGGCTGCATGAACGCTGAGGGATCAGGGGCGTCTCTTCACTTGGAGGT[G>A]CCATGAGTGCAACTTGCCTGGGGCACAGAGAGAAAAAGCCCCTCAGTCCTGGTCAGAGGG-3'
Protein context (NP_000206.2, residues 1-12): M[Ala2Val]PPSEETPLIP